The following is an entry in ClinVar:

ClinVar aggregate classification (germline): Uncertain significance (1 of 4 stars; one submission).

Allele frequency attached by ClinVar (database versions not stated): gnomAD exomes below 0.00001; TOPMed 0.00001; ExAC 0.00002; gnomAD 0.00003.

Submission:

CeGaT Center for Human Genetics Tuebingen
Classification: Uncertain significance. Last evaluated: 2024-02-01. Review status: criteria provided, single submitter. Criteria: CeGaT Center For Human Genetics Tuebingen Variant Classification Criteria Version 2. Collection method: clinical testing. Allele origin: germline. Affected: yes. Observed: 1 variant allele.
Comment: WDR11: PM2, PP3

NM_018117.12(WDR11):c.3173T>C (p.Ile1058Thr)

Gene: WDR11 (WD repeat domain 11; plus strand). Cytogenetic location: 10q26.12.
Variant type: single nucleotide variant.
Coding change: c.3173T>C on transcript NM_018117.12 (MANE Select); coding-DNA position 3173, T replaced by C.
Protein change: p.Ile1058Thr; replaces isoleucine 1058 with threonine.
Molecular consequence: missense variant.
Genome position (GRCh38, 1-based): chr10:120,904,791, T>C. VCF-style: chr10-120904791-T-C. GRCh37 (hg19) VCF-style: chr10-122664303-T-C.
Other names: short protein forms I1058T.
Identifiers: ClinVar variation 3027358 (VCV003027358.22), dbSNP rs764425723, ClinGen allele CA5720223.
Genomic context (GRCh38, chr10:120,904,791, plus strand): 5'-CTACTGTCACCTCGTCAGGCCCCTCTCAGAGCACCATTAAGTTGGTGGCAACGAATATGA[T>C]TGCCAATGGCAAATTGGCAGGTAAGGCACACTTGATATGTTTGTCATCTCTCTGAAAAAT-3'
Protein context (NP_060587.8, residues 1048-1068): STIKLVATNM[Ile1058Thr]ANGKLAEGVQ